The following is an entry in ClinVar:

ClinVar aggregate classification (germline): Benign/Likely benign. Review status: criteria provided, multiple submitters, no conflicts (2 of 4 stars). 10 submissions from 10 submitters: Benign (4); Likely benign (6). Last evaluated 2026-02-01.

Conditions:
Congenital myasthenic syndrome 2A. Also called: Myasthenic syndrome, congenital, 2a, slow-channel. Identifiers: Orphanet 590, MedGen C4225374, MONDO:0014581, OMIM 616313.
Congenital myasthenic syndrome 4C (CMS4C). Also called: Myasthenic syndrome, congenital, associated with acetylcholine receptor deficiency. Identifiers: Orphanet 590, MedGen C1837091, MONDO:0012157, OMIM 608931.

Allele frequency attached by ClinVar (database versions not stated): 1000 Genomes Project 0.00280; 1000 Genomes Project 30x 0.00328; ESP Exome Variant Server 0.00369; ExAC 0.00395; gnomAD 0.00398 and 0.00404; gnomAD exomes 0.00398 and 0.00501; TOPMed 0.00440.
gnomAD v4.1: 7,878 of 1,614,028 alleles (0.49%); highest among the groups gnomAD compares: Non-Finnish European, 0.58%; 32 homozygotes.

Submissions (13):

Labcorp Genetics (formerly Invitae), Labcorp
Classification: Benign for Congenital myasthenic syndrome 2A. Last evaluated: 2026-02-01. Review status: criteria provided, single submitter. Criteria: Invitae Variant Classification Sherloc (09022015). Collection method: clinical testing. Allele origin: germline.

Athena Diagnostics
Classification: Benign. Last evaluated: 2025-09-09. Review status: criteria provided, single submitter. Criteria: Athena Diagnostics Criteria. Collection method: clinical testing. Allele origin: unknown.
Comment: The frequency of this variant in the general population is higher than would generally be expected for pathogenic variants in this gene. Computational tools yielded predictions that this variant is unlikely to have an effect on normal RNA splicing. This nucleotide position exhibits low evolutionary conservation.

CeGaT Center for Human Genetics Tuebingen
Classification: Likely benign. Last evaluated: 2024-05-01. Review status: criteria provided, single submitter. Criteria: CeGaT Center For Human Genetics Tuebingen Variant Classification Criteria Version 2. Collection method: clinical testing. Allele origin: germline. Affected: yes. Observed: 2 variant alleles.
Comment: CHRNB1: BP4, BS2

GeneDx
Classification: Likely benign. Last evaluated: 2021-09-16. Review status: criteria provided, single submitter. Criteria: GeneDx Variant Classification Process June 2021. Collection method: clinical testing. Allele origin: germline. Affected: yes.

Illumina Laboratory Services, Illumina
Classification: Likely benign for Congenital myasthenic syndrome 4C. Last evaluated: 2018-01-12. Review status: criteria provided, single submitter. Criteria: ICSL Variant Classification Criteria 13 December 2019. Collection method: clinical testing. Allele origin: germline.
Comment: This variant was observed in the ICSL laboratory as part of a predisposition screen in an ostensibly healthy population. It had not been previously curated by ICSL or reported in the Human Gene Mutation Database (HGMD: prior to June 1st, 2018), and was therefore a candidate for classification through an automated scoring system. Utilizing variant allele frequency, disease prevalence and penetrance estimates, and inheritance mode, an automated score was calculated to assess if this variant is too frequent to cause the disease. Based on the score and internal cut-off values, a variant classified as likely benign is not then subjected to further curation. The score for this variant resulted in a classification of likely benign for this disease.

Mayo Clinic Laboratories, Mayo Clinic
Classification: Benign. Last evaluated: 2017-12-01. Review status: criteria provided, single submitter. Criteria: ACMG Guidelines, 2015. Collection method: clinical testing. Allele origin: germline. Observed: 4 variant alleles.

Center for Pediatric Genomic Medicine, Children's Mercy Hospital and Clinics
Classification: Likely benign. Last evaluated: 2017-05-04. Review status: criteria provided, single submitter. Criteria: ACMG Guidelines, 2015. Collection method: clinical testing. Allele origin: germline.

Eurofins Ntd Llc (ga)
Classification: Likely benign. Last evaluated: 2014-12-17. Review status: criteria provided, single submitter. Criteria: EGL Classification Definitions 2015. Collection method: clinical testing. Allele origin: germline. Observed: 2 variant alleles, 2 heterozygotes.

Breakthrough Genomics
Classification: Likely benign. Review status: criteria provided, single submitter. Criteria: ACMG Guidelines, 2015. Collection method: not provided. Allele origin: germline. Inheritance: Autosomal recessive inheritance. Affected: yes.

PreventionGenetics, part of Exact Sciences
Classification: Benign. Review status: criteria provided, single submitter. Criteria: ACMG Guidelines, 2015. Collection method: clinical testing. Allele origin: germline.

Dr. Peter K. Rogan Lab, Western University
No classification provided (evidence only). Condition: Thymoma. Review status: no classification provided. Collection method: in vitro. Allele origin: not applicable. Functional consequence: retained intron. Not counted in ClinVar's aggregate classification.

Dr. Peter K. Rogan Lab, Western University
No classification provided (evidence only). Condition: Ovarian serous cystadenocarcinoma. Review status: no classification provided. Collection method: in vitro. Allele origin: not applicable. Functional consequence: retained intron. Not counted in ClinVar's aggregate classification.

Dr. Peter K. Rogan Lab, Western University
No classification provided (evidence only). Condition: Malignant tumor of esophagus. Review status: no classification provided. Collection method: in vitro. Allele origin: not applicable. Functional consequence: retained intron. Not counted in ClinVar's aggregate classification.

NM_000747.3(CHRNB1):c.1045-6C>G

Gene: CHRNB1 (cholinergic receptor nicotinic beta 1 subunit; plus strand). Cytogenetic location: 17p13.1.
Variant type: single nucleotide variant.
Coding change: c.1045-6C>G on transcript NM_000747.3 (MANE Select); 6 bases into the intron before coding-DNA position 1045, C replaced by G.
Molecular consequence: intron variant.
Genome position (GRCh38, 1-based): chr17:7,455,278, C>G. VCF-style: chr17-7455278-C-G. GRCh37 (hg19) VCF-style: chr17-7358597-C-G.
Other names: p.?.
Identifiers: ClinVar variation 199037 (VCV000199037.49), dbSNP rs79209506, ClinGen allele CA203718.